The following is an entry in ClinVar:

ClinVar aggregate classification (germline): Pathogenic (1 of 4 stars; one submission).

Submission:

GeneDx
Classification: Pathogenic. Last evaluated: 2025-02-20. Review status: criteria provided, single submitter. Criteria: GeneDx Variant Classification Process June 2021. Collection method: clinical testing. Allele origin: germline. Affected: yes.
Comment: Frameshift variant predicted to result in protein truncation or nonsense mediated decay in a gene for which loss of function is a known mechanism of disease; Observed in an individual with a personal history of ovarian, fallopian tube, or peritoneal cancel (PMID: 34980015); Not observed at significant frequency in large population cohorts (gnomAD); Truncating variants in this gene are considered pathogenic by a well-established clinical consortium and/or database; Also known as 2529_2532del; This variant is associated with the following publications: (PMID: 34980015)

NM_007294.4(BRCA1):c.2410_2413del (p.Gln804fs)

Gene: BRCA1 (BRCA1 DNA repair associated; minus strand). Cytogenetic location: 17q21.31.
Variant type: Deletion.
Coding change: c.2410_2413del on transcript NM_007294.4 (MANE Select); coding-DNA positions 2410 to 2413, 4 bases deleted (CAGT; older notation c.2410_2413delCAGT).
Protein change: p.Gln804fs; shifts the reading frame from glutamine 804.
Molecular consequence: frameshift variant. On other transcripts: intron variant (137).
Genome position (GRCh38, 1-based): chr17:43,093,118-43,093,121, ACTG deleted on the plus strand (CAGT on the coding strand, the reverse complement: BRCA1 is on the minus strand); deleting any 4 consecutive bases within chr17:43,093,118-43,093,124 gives the same sequence; the c. name uses the placement nearest the transcript's 3' end. VCF-style (leftmost placement, unchanged base first): chr17-43093117-CACTG-C. GRCh37 (hg19) VCF-style: chr17-41245134-CACTG-C.
Other names: c.2197_2200del, p.Gln733fs (NM_001407571.1, NM_001407853.1, NM_001407894.1 and 9 more transcripts); c.2410_2413del, p.Gln804fs (NM_001407581.1, NM_001407582.1, NM_001407583.1 and 30 more transcripts); c.2407_2410del, p.Gln803fs (NM_001407587.1, NM_001407590.1, NM_001407591.1 and 22 more transcripts); c.2401_2404del, p.Gln801fs (NM_001407646.1, NM_001407647.1); c.2287_2290del, p.Gln763fs (NM_001407648.1, NM_001407664.1, NM_001407665.1 and 19 more transcripts); c.2284_2287del, p.Gln762fs (NM_001407649.1, NM_001407670.1, NM_001407671.1 and 11 more transcripts); c.2332_2335del, p.Gln778fs (NM_001407653.1, NM_001407654.1, NM_001407655.1 and 4 more transcripts); c.2329_2332del, p.Gln777fs (NM_001407659.1, NM_001407660.1, NM_001407661.1 and 1 more transcripts); and 42 more; short protein forms Q508fs, Q636fs, Q676fs, Q677fs, Q692fs, Q693fs, Q715fs, Q716fs.
Identifiers: ClinVar variation 4076606 (VCV004076606.1).
Genomic context (GRCh38, chr17:43,093,117, plus strand): 5'-TCATTTCTATTATCTTTGGAACAACCATGAATTAGTCCCTTGGGGTTTTCAAATGCTGCA[CACTG>C]ACTCACACATTTATTTGGTTCTGTTTTTGCCTTCCCTAGAGTGCTAACTTCCAGTAACGA-3'